The following is an entry in ClinVar:

ClinVar aggregate classification (germline): Conflicting classifications of pathogenicity. Review status: criteria provided, conflicting classifications (1 of 4 stars). 2 submissions from 2 submitters: Likely pathogenic (1); Uncertain significance (1). Last evaluated 2023-03-14.

Conditions:
Aortic valve disease 2 (AOVD2). Identifiers: MedGen C3542024, MONDO:0013902, OMIM 614823.

Submissions (2):

Labcorp Genetics (formerly Invitae), Labcorp
Classification: Likely pathogenic for Aortic valve disease 2. Last evaluated: 2023-03-14. Review status: criteria provided, single submitter. Criteria: Invitae Variant Classification Sherloc (09022015). Collection method: clinical testing. Allele origin: germline.
Comment: This sequence change replaces glutamic acid, which is acidic and polar, with glutamine, which is neutral and polar, at codon 73 of the TBX5 protein (p.Glu73Gln). This variant is not present in population databases (gnomAD no frequency). This missense change has been observed in individual(s) with Holt-Oram syndrome (Invitae). In at least one individual the variant was observed to be de novo. Advanced modeling of protein sequence and biophysical properties (such as structural, functional, and spatial information, amino acid conservation, physicochemical variation, residue mobility, and thermodynamic stability) performed at Invitae indicates that this missense variant is not expected to disrupt TBX5 protein function. In summary, the currently available evidence indicates that the variant is pathogenic, but additional data are needed to prove that conclusively. Therefore, this variant has been classified as Likely Pathogenic.

Blueprint Genetics
Classification: Uncertain significance. Last evaluated: 2019-08-13. Review status: criteria provided, single submitter. Criteria: ACMG Guidelines, 2015. Collection method: clinical testing. Allele origin: germline.

NM_181486.4(TBX5):c.217G>C (p.Glu73Gln)

Gene: TBX5 (T-box transcription factor 5; minus strand). Cytogenetic location: 12q24.21.
Variant type: single nucleotide variant.
Coding change: c.217G>C on transcript NM_181486.4 (MANE Select); coding-DNA position 217, G replaced by C.
Protein change: p.Glu73Gln; replaces glutamic acid 73 with glutamine.
Molecular consequence: missense variant.
Genome position (GRCh38, 1-based): chr12:114,401,851, C>G on the plus strand (G>C on the coding strand, the complement: TBX5 is on the minus strand). VCF-style: chr12-114401851-C-G. GRCh37 (hg19) VCF-style: chr12-114839656-C-G.
Other names: c.217G>C, p.Glu73Gln (NM_000192.3); c.67G>C, p.Glu23Gln (NM_080717.4); short protein forms E23Q, E73Q.
Identifiers: ClinVar variation 2825206 (VCV002825206.4), dbSNP rs2540475270, ClinGen allele CA386863046.